The following is an entry in ClinVar:

NM_000179.3(MSH6):c.3731T>C (p.Leu1244Ser)

Gene: MSH6 (mutS homolog 6; plus strand). Cytogenetic location: 2p16.3.
Variant type: single nucleotide variant.
Coding change: c.3731T>C on transcript NM_000179.3 (MANE Select); coding-DNA position 3731, T replaced by C.
Protein change: p.Leu1244Ser; replaces leucine 1244 with serine.
Molecular consequence: missense variant.
Genome position (GRCh38, 1-based): chr2:47,806,288, T>C. VCF-style: chr2-47806288-T-C. GRCh37 (hg19) VCF-style: chr2-48033427-T-C.
Other names: c.3341T>C, p.Leu1114Ser (NM_001281492.2); c.2825T>C, p.Leu942Ser (NM_001281493.2, NM_001281494.2); short protein forms L1244S, L1114S, L942S.
Identifiers: ClinVar variation 579068 (VCV000579068.17), dbSNP rs1558392241, ClinGen allele CA346761033.

ClinVar aggregate classification (germline): Uncertain significance. Review status: criteria provided, multiple submitters, no conflicts (2 of 4 stars). 3 submissions from 3 submitters: Uncertain significance (3). Last evaluated 2024-03-26.

Conditions:
Hereditary cancer-predisposing syndrome. Also called: Neoplastic Syndromes, Hereditary; Tumor predisposition; Hereditary neoplastic syndrome; Hereditary Cancer Syndrome. Identifiers: Orphanet 140162, MedGen C0027672, MeSH D009386, MONDO:0015356.
Hereditary nonpolyposis colorectal neoplasms. Identifiers: MedGen C0009405, MeSH D003123.

Submissions (3):

Ambry Genetics
Classification: Uncertain significance for Hereditary cancer-predisposing syndrome. Last evaluated: 2024-03-26. Review status: criteria provided, single submitter. Criteria: Ambry Variant Classification Scheme 2023. Collection method: clinical testing. Allele origin: germline.
Comment: The p.L1244S variant (also known as c.3731T>C), located in coding exon 8 of the MSH6 gene, results from a T to C substitution at nucleotide position 3731. The leucine at codon 1244 is replaced by serine, an amino acid with dissimilar properties. This alteration was identified in a cohort of 1260 individuals undergoing panel testing for Lynch syndrome due to having a diagnosis of a Lynch-associated cancer and/or polyps (Yurgelun MB et al. Gastroenterology, 2015 Sep;149:604-13.e20). This amino acid position is highly conserved in available vertebrate species. In addition, this alteration is predicted to be deleterious by in silico analysis. Based on the available evidence, the clinical significance of this alteration remains unclear.

Labcorp Genetics (formerly Invitae), Labcorp
Classification: Uncertain significance for Hereditary nonpolyposis colorectal neoplasms. Last evaluated: 2023-09-29. Review status: criteria provided, single submitter. Criteria: Invitae Variant Classification Sherloc (09022015). Collection method: clinical testing. Allele origin: germline.
Comment: This variant is not present in population databases (gnomAD no frequency). This sequence change replaces leucine, which is neutral and non-polar, with serine, which is neutral and polar, at codon 1244 of the MSH6 protein (p.Leu1244Ser). In summary, the available evidence is currently insufficient to determine the role of this variant in disease. Therefore, it has been classified as a Variant of Uncertain Significance. Advanced modeling of protein sequence and biophysical properties (such as structural, functional, and spatial information, amino acid conservation, physicochemical variation, residue mobility, and thermodynamic stability) performed at Invitae indicates that this missense variant is expected to disrupt MSH6 protein function. ClinVar contains an entry for this variant (Variation ID: 579068). This variant has not been reported in the literature in individuals affected with MSH6-related conditions.

Color Diagnostics, LLC DBA Color Health
Classification: Uncertain significance for Hereditary cancer-predisposing syndrome. Last evaluated: 2018-10-05. Review status: criteria provided, single submitter. Criteria: ACMG Guidelines, 2015. Collection method: clinical testing. Allele origin: germline.

Literature cited by the submitters: PubMed 25980754 (cited by Ambry Genetics).